The following is an entry in ClinVar:

NM_001039591.3(USP9X):c.3290C>T (p.Ala1097Val)

Gene: USP9X (ubiquitin specific peptidase 9 X-linked; plus strand). Cytogenetic location: Xp11.4.
Variant type: single nucleotide variant.
Coding change: c.3290C>T on transcript NM_001039591.3 (MANE Select); coding-DNA position 3290, C replaced by T.
Protein change: p.Ala1097Val; replaces alanine 1097 with valine.
Molecular consequence: missense variant.
Genome position (GRCh38, 1-based): chrX:41,184,407, C>T. VCF-style: chrX-41184407-C-T. GRCh37 (hg19) VCF-style: chrX-41043660-C-T.
Other names: c.3290C>T, p.Ala1097Val (NM_001039590.3); c.3305C>T, p.Ala1102Val (NM_001410748.1, NM_001410749.1); short protein forms A1097V, A1102V.
Identifiers: ClinVar variation 2848884 (VCV002848884.3), dbSNP rs2062855396, ClinGen allele CA412764390.

ClinVar aggregate classification (germline): Uncertain significance (1 of 4 stars; one submission).

Submission:

Labcorp Genetics (formerly Invitae), Labcorp
Classification: Uncertain significance. Last evaluated: 2023-10-05. Review status: criteria provided, single submitter. Criteria: Invitae Variant Classification Sherloc (09022015). Collection method: clinical testing. Allele origin: germline.
Comment: This sequence change replaces alanine, which is neutral and non-polar, with valine, which is neutral and non-polar, at codon 1097 of the USP9X protein (p.Ala1097Val). This variant is not present in population databases (gnomAD no frequency). This variant has not been reported in the literature in individuals affected with USP9X-related conditions. An algorithm developed to predict the effect of missense changes on protein structure and function (PolyPhen-2) suggests that this variant is likely to be tolerated. In summary, the available evidence is currently insufficient to determine the role of this variant in disease. Therefore, it has been classified as a Variant of Uncertain Significance.